The following is an entry in ClinVar:

NM_006265.3(RAD21):c.1359_1360delinsTC (p.Glu453_Ser454delinsAspPro)

Gene: RAD21 (RAD21 cohesin complex component; minus strand). Cytogenetic location: 8q24.11.
Variant type: Indel.
Coding change: c.1359_1360delinsTC on transcript NM_006265.3 (MANE Select); coding-DNA positions 1359 to 1360, GT replaced by TC.
Protein change: p.Glu453_Ser454delinsAspPro.
Molecular consequence: missense variant.
Genome position (GRCh38, 1-based): chr8:116,852,058-116,852,059, AC replaced by GA on the plus strand (GT replaced by TC on the coding strand, the reverse complement: RAD21 is on the minus strand). VCF-style: chr8-116852058-AC-GA. GRCh37 (hg19) VCF-style: chr8-117864297-AC-GA.
Identifiers: ClinVar variation 1971417 (VCV001971417.5), dbSNP rs2537290084, ClinGen allele CA2580078548.

ClinVar aggregate classification (germline): Uncertain significance (1 of 4 stars; one submission).

Conditions:
Cornelia de Lange syndrome 4 (CDLS4). Also called: CORNELIA DE LANGE SYNDROME 4 WITH OR WITHOUT MIDLINE BRAIN DEFECTS; RAD21-Related Cornelia de Lange Syndrome. Identifiers: Orphanet 199, MedGen C3553517, MONDO:0013864, OMIM 614701.

Submission:

Labcorp Genetics (formerly Invitae), Labcorp
Classification: Uncertain significance for Cornelia de Lange syndrome 4. Last evaluated: 2023-04-03. Review status: criteria provided, single submitter. Criteria: Invitae Variant Classification Sherloc (09022015). Collection method: clinical testing. Allele origin: germline.
Comment: This variant, c.1359_1360delinsTC, is a complex sequence change that results in the deletion of 2 and insertion of 2 amino acid(s) in the RAD21 protein (p.Glu453_Ser454delinsAspPro). Information on the frequency of this variant in the gnomAD database is not available, as this variant may be reported differently in the database. This variant has not been reported in the literature in individuals affected with RAD21-related conditions. ClinVar contains an entry for this variant (Variation ID: 1971417). Experimental studies and prediction algorithms are not available or were not evaluated, and the functional significance of this variant is currently unknown. In summary, the available evidence is currently insufficient to determine the role of this variant in disease. Therefore, it has been classified as a Variant of Uncertain Significance.